The following is an entry in ClinVar:

NM_001394062.1(MACF1):c.18272C>T (p.Ala6091Val)

Gene: MACF1 (microtubule actin crosslinking factor 1; plus strand). Cytogenetic location: 1p34.3.
Variant type: single nucleotide variant.
Coding change: c.18272C>T on transcript NM_001394062.1 (MANE Select); coding-DNA position 18272, C replaced by T.
Protein change: p.Ala6091Val; replaces alanine 6091 with valine.
Molecular consequence: missense variant.
Genome position (GRCh38, 1-based): chr1:39,439,325, C>T. VCF-style: chr1-39439325-C-T. GRCh37 (hg19) VCF-style: chr1-39904997-C-T.
Other names: c.12095C>T, p.Ala4032Val (NM_012090.5); c.6350C>T, p.Ala2117Val (NM_001397473.1); short protein forms A6091V, A2117V, A4032V.
Identifiers: ClinVar variation 3121859 (VCV003121859.3), dbSNP rs747685515, ClinGen allele CA783851.

ClinVar aggregate classification (germline): Conflicting classifications of pathogenicity. Review status: criteria provided, conflicting classifications (1 of 4 stars). 2 submissions from 2 submitters: Uncertain significance (1); Likely benign (1). Last evaluated 2025-07-07.

Conditions:
Inborn genetic diseases. Identifiers: MedGen C0950123, MeSH D030342.

Allele frequency attached by ClinVar (database versions not stated): ExAC 0.00001; gnomAD exomes 0.00001; TOPMed 0.00001.
gnomAD v4.1: 16 of 1,613,992 alleles (0.00099%); highest among the groups gnomAD compares: East Asian, 0.033%; no homozygotes.

Submissions (2):

Women's Health and Genetics/Laboratory Corporation of America, LabCorp
Classification: Uncertain significance. Last evaluated: 2025-07-07. Review status: criteria provided, single submitter. Criteria: LabCorp Variant Classification Summary - May 2015. Collection method: clinical testing. Allele origin: germline.
Comment: Variant summary: MACF1 c.12095C>T (p.Ala4032Val) results in a non-conservative amino acid change in the encoded protein sequence. Algorithms developed to predict the effect of missense changes on protein structure and function are either unavailable or do not agree on the potential impact of this missense change. The variant allele was found at a frequency of 5.2e-05 in 251414 control chromosomes. This frequency is not significantly higher than estimated for a pathogenic variant in MACF1 causing Lissencephaly 9 With Complex Brainstem Malformation, allowing no conclusion about variant significance. To our knowledge, no occurrence of c.12095C>T in individuals affected with Lissencephaly 9 With Complex Brainstem Malformation and no experimental evidence demonstrating its impact on protein function have been reported. ClinVar contains an entry for this variant (Variation ID: 3121859). Based on the evidence outlined above, the variant was classified as uncertain significance.

Ambry Genetics
Classification: Likely benign for Inborn genetic diseases. Last evaluated: 2023-12-17. Review status: criteria provided, single submitter. Criteria: Ambry Variant Classification Scheme 2023. Collection method: clinical testing. Allele origin: germline.